The following is an entry in ClinVar:

NM_001267550.2(TTN):c.14341G>A (p.Val4781Ile)

Gene: TTN (titin; minus strand). Cytogenetic location: 2q31.2.
Variant type: single nucleotide variant.
Coding change: c.14341G>A on transcript NM_001267550.2 (MANE Select); coding-DNA position 14341, G replaced by A.
Protein change: p.Val4781Ile; replaces valine 4781 with isoleucine.
Molecular consequence: missense variant.
Genome position (GRCh38, 1-based): chr2:178,738,112, C>T on the plus strand (G>A on the coding strand, the complement: TTN is on the minus strand). VCF-style: chr2-178738112-C-T. GRCh37 (hg19) VCF-style: chr2-179602839-C-T.
Other names: c.13390G>A, p.Val4464Ile (NM_001256850.1); c.13252G>A, p.Val4418Ile (NM_003319.4); c.10609G>A, p.Val3537Ile (NM_133378.4); c.13627G>A, p.Val4543Ile (NM_133432.3); c.13828G>A, p.Val4610Ile (NM_133437.4); short protein forms V4464I, V4610I, V4781I, V3537I, V4418I, V4543I.
Identifiers: ClinVar variation 1769979 (VCV001769979.3), dbSNP rs2081852478, ClinGen allele CA349601853.
Genomic context (GRCh38, chr2:178,738,112, plus strand): 5'-ACAACATCTGTGCCAATGTATGGCATTTACCTGTCACAGTTAGTGTGGCTGTACAGCTGA[C>T]ACTGCCATACTCATTGGAAGCTTTGCATGTATACTCGCCGCAGTCAACCACCTGGGTTCT-3'
Protein context (NP_001254479.2, residues 4771-4791): TCKASNEYGS[Val4781Ile]SCTATLTVTE

ClinVar aggregate classification (germline): Conflicting classifications of pathogenicity. Review status: criteria provided, conflicting classifications (1 of 4 stars). 2 submissions from 2 submitters: Uncertain significance (1); Likely benign (1). Last evaluated 2025-04-09.

Conditions:
Cardiovascular phenotype. Identifiers: MedGen CN230736.

Allele frequency attached by ClinVar (database versions not stated): gnomAD exomes below 0.00001; TOPMed below 0.00001.
gnomAD v4.1: 1 of 1,613,642 alleles (0.000062%); highest among the groups gnomAD compares: Non-Finnish European, 0.000085%; no homozygotes.

Submissions (2):

Molecular Diagnostic Laboratory for Inherited Cardiovascular Disease, Montreal Heart Institute
Classification: Likely benign. Last evaluated: 2025-04-09. Review status: criteria provided, single submitter. Criteria: ACMG Guidelines, 2015. Collection method: clinical testing. Allele origin: germline. Affected: no.

Ambry Genetics
Classification: Uncertain significance for Cardiovascular phenotype. Last evaluated: 2020-06-13. Review status: criteria provided, single submitter. Criteria: Ambry Variant Classification Scheme 2023. Collection method: clinical testing. Allele origin: germline.
Comment: The p.V4418I variant (also known as c.13252G>A), located in coding exon 45 of the TTN gene, results from a G to A substitution at nucleotide position 13252. The valine at codon 4418 is replaced by isoleucine, an amino acid with highly similar properties. This amino acid position is not well conserved in available vertebrate species. In addition, this alteration is predicted to be tolerated by in silico analysis. Since supporting evidence is limited at this time, the clinical significance of this alteration remains unclear.